The following is an entry in ClinVar:

ClinVar aggregate classification (germline): Benign. Review status: criteria provided, multiple submitters, no conflicts (2 of 4 stars). 12 submissions from 10 submitters: Benign (10). 2 of the submissions do not count toward it. Last evaluated 2026-02-04.

Conditions:
Peroxisome biogenesis disorder 4B (PBD4B). Also called: SPINOCEREBELLAR ATAXIA WITH BLINDNESS AND DEAFNESS 1. Identifiers: Orphanet 44, Orphanet 95433, MedGen C3553937, MONDO:0013931, OMIM 614863.
Peroxisome biogenesis disorder 4A (Zellweger) (PBD4A). Also called: Zellweger syndrome spectrum (PEX6-related). Identifiers: Orphanet 912, MedGen C3553936, MONDO:0013930, OMIM 614862. Disease mechanism: loss of function.
Peroxisome biogenesis disorder. Identifiers: Orphanet 79189, MedGen C1832200, MONDO:0019234. Disease mechanism: loss of function.
Zellweger spectrum disorders (ZS). Also called: Zellweger syndrome; Zellweger Spectrum Disorder; Zellweger Spectrum; Zellweger Spectrum Disorder (ZSD). Identifiers: Orphanet 912, MedGen C0043459, MONDO:0019609.
Heimler syndrome 2 (HMLR2). Also called: PEROXISOME BIOGENESIS DISORDER 4C. Identifiers: Orphanet 3220, MedGen C4225267, OMIM 616617, MONDO:0014709.

Allele frequency attached by ClinVar (database versions not stated): gnomAD exomes 0.47628 and 0.52071; ExAC 0.49112; 1000 Genomes Project 0.49361; 1000 Genomes Project 30x 0.50344; gnomAD 0.55738 and 0.56758; TOPMed 0.56216; ESP Exome Variant Server 0.59757.
gnomAD v4.1: 844,833 of 1,612,222 alleles (52%); highest among the groups gnomAD compares: African/African-American, 73%; 227,508 homozygotes.

Submissions (12):

Labcorp Genetics (formerly Invitae), Labcorp
Classification: Benign for Peroxisome biogenesis disorder. Last evaluated: 2026-02-04. Review status: criteria provided, single submitter. Criteria: Invitae Variant Classification Sherloc (09022015). Collection method: clinical testing. Allele origin: germline.

Blueprint Genetics
Classification: Benign. Last evaluated: 2024-11-27. Review status: criteria provided, single submitter. Criteria: ACMG Guidelines, 2015. Collection method: clinical testing. Allele origin: germline.

Genome-Nilou Lab
Classification: Benign for Heimler syndrome 2. Last evaluated: 2021-07-10. Review status: criteria provided, single submitter. Criteria: ACMG Guidelines, 2015. Collection method: clinical testing. Allele origin: germline. Affected: no.

Genome-Nilou Lab
Classification: Benign for Peroxisome biogenesis disorder 4A (Zellweger). Last evaluated: 2021-07-10. Review status: criteria provided, single submitter. Criteria: ACMG Guidelines, 2015. Collection method: clinical testing. Allele origin: germline. Affected: no.

Genome-Nilou Lab
Classification: Benign for Peroxisome biogenesis disorder 4B. Last evaluated: 2021-07-10. Review status: criteria provided, single submitter. Criteria: ACMG Guidelines, 2015. Collection method: clinical testing. Allele origin: germline. Affected: no.

GeneDx
Classification: Benign. Last evaluated: 2018-06-13. Review status: criteria provided, single submitter. Criteria: GeneDx Variant Classification (06012015). Collection method: clinical testing. Allele origin: germline. Affected: yes.
Comment: This variant is considered likely benign or benign based on one or more of the following criteria: it is a conservative change, it occurs at a poorly conserved position in the protein, it is predicted to be benign by multiple in silico algorithms, and/or has population frequency not consistent with disease.

Illumina Laboratory Services, Illumina
Classification: Benign for Peroxisome biogenesis disorder 4A (Zellweger). Last evaluated: 2018-01-13. Review status: criteria provided, single submitter. Criteria: ICSL Variant Classification Criteria 13 December 2019. Collection method: clinical testing. Allele origin: germline.
Comment: This variant was observed in the ICSL laboratory as part of a predisposition screen in an ostensibly healthy population. It had not been previously curated by ICSL or reported in the Human Gene Mutation Database (HGMD: prior to June 1st, 2018), and was therefore a candidate for classification through an automated scoring system. Utilizing variant allele frequency, disease prevalence and penetrance estimates, and inheritance mode, an automated score was calculated to assess if this variant is too frequent to cause the disease. Based on the score and internal cut-off values, a variant classified as benign is not then subjected to further curation. The score for this variant resulted in a classification of benign for this disease.

Women's Health and Genetics/Laboratory Corporation of America, LabCorp
Classification: Benign. Last evaluated: 2016-10-10. Review status: criteria provided, single submitter. Criteria: LabCorp Variant Classification Summary - May 2015. Collection method: clinical testing. Allele origin: germline.
Comment: Variant summary: The PEX6 c.2814G>A (p.Glu938Glu) variant causes a synonymous change involving a non-conserved nucleotide with 5/5 splice prediction tools predict no significant impact on normal splicing and ESE finder predicts that this variant may alter ESE binding. The variant of interest was observed in the large, broad control population, ExAC, with an allele frequency of 58981/120096 (15519 homozygotes, 1/2), which significantly exceeds the estimated maximal expected allele frequency for a pathogenic PEX6 variant of 1/516 (0.0019365), suggesting this variant is likely a benign polymorphism. In addition, multiple reputable clinical diagnostic laboratories/databases cite the variant as "benign." Therefore, the variant of interest has been classified as Benign.

Eurofins Ntd Llc (ga)
Classification: Benign. Last evaluated: 2016-02-25. Review status: criteria provided, single submitter. Criteria: EGL Classification Definitions 2015. Collection method: clinical testing. Allele origin: germline. Observed: 15 variant alleles, 9 heterozygotes, 6 homozygotes.

PreventionGenetics, part of Exact Sciences
Classification: Benign. Review status: criteria provided, single submitter. Criteria: ACMG Guidelines, 2015. Collection method: clinical testing. Allele origin: germline.

Natera, Inc.
Classification: Benign for Zellweger syndrome. Last evaluated: 2020-09-16. Review status: no assertion criteria provided. Collection method: clinical testing. Allele origin: germline. Not counted in ClinVar's aggregate classification.

Mayo Clinic Laboratories, Mayo Clinic
Classification: Benign. Last evaluated: 2015-10-21. Review status: no assertion criteria provided. Collection method: clinical testing. Allele origin: unknown. Not counted in ClinVar's aggregate classification.

NM_000287.4(PEX6):c.2814G>A (p.Glu938=)

Gene: PEX6 (peroxisomal biogenesis factor 6; minus strand). Cytogenetic location: 6p21.1.
Variant type: single nucleotide variant.
Coding change: c.2814G>A on transcript NM_000287.4 (MANE Select); coding-DNA position 2814, G replaced by A.
Protein change: p.Glu938=; no amino-acid change (glutamic acid 938 retained).
Molecular consequence: synonymous variant. On other transcripts: non-coding transcript variant (1).
Genome position (GRCh38, 1-based): chr6:42,964,464, C>T on the plus strand (G>A on the coding strand, the complement: PEX6 is on the minus strand). VCF-style: chr6-42964464-C-T. GRCh37 (hg19) VCF-style: chr6-42932202-C-T.
Other names: c.2550G>A, p.Glu850= (NM_001316313.2).
Identifiers: ClinVar variation 92786 (VCV000092786.24), dbSNP rs1129186, ClinGen allele CA146008.